The following is an entry in ClinVar:

NM_003664.5(AP3B1):c.1022G>A (p.Arg341His)

Gene: AP3B1 (adaptor related protein complex 3 subunit beta 1; minus strand). Cytogenetic location: 5q14.1.
Variant type: single nucleotide variant.
Coding change: c.1022G>A on transcript NM_003664.5 (MANE Select); coding-DNA position 1022, G replaced by A.
Protein change: p.Arg341His; replaces arginine 341 with histidine.
Molecular consequence: missense variant.
Genome position (GRCh38, 1-based): chr5:78,177,357, C>T on the plus strand (G>A on the coding strand, the complement: AP3B1 is on the minus strand). VCF-style: chr5-78177357-C-T. GRCh37 (hg19) VCF-style: chr5-77473181-C-T.
Other names: p.Arg341His; c.875G>A, p.Arg292His (NM_001271769.2); short protein forms R341H, R292H.
Identifiers: ClinVar variation 533468 (VCV000533468.18), dbSNP rs141832130, ClinGen allele CA3317238.

ClinVar aggregate classification (germline): Uncertain significance. Review status: criteria provided, multiple submitters, no conflicts (2 of 4 stars). 8 submissions from 8 submitters: Uncertain significance (5). 3 of the submissions do not count toward it. Last evaluated 2026-03-25.

Conditions:
Hermansky-Pudlak syndrome 2 (HPS2). Also called: Platelet defects and oculocutaneous albinism. Identifiers: Orphanet 183678, Orphanet 79430, MedGen C1842362, MONDO:0011997, OMIM 608233.

Allele frequency attached by ClinVar (database versions not stated): 1000 Genomes Project 30x 0.00016; 1000 Genomes Project 0.00020; gnomAD exomes 0.00022; gnomAD 0.00023; TOPMed 0.00023; ExAC 0.00027; ESP Exome Variant Server 0.00054.
gnomAD v4.1: 751 of 1,613,062 alleles (0.047%); highest among the groups gnomAD compares: Non-Finnish European, 0.059%; 3 homozygotes.

Submissions (8):

Women's Health and Genetics/Laboratory Corporation of America, LabCorp
Classification: Uncertain significance. Last evaluated: 2026-03-25. Review status: criteria provided, single submitter. Criteria: LabCorp Variant Classification Summary - May 2015. Collection method: clinical testing. Allele origin: germline.
Comment: Variant summary: AP3B1 c.1022G>A (p.Arg341His) results in a non-conservative amino acid change located in the Clathrin/coatomer adaptor, adaptin-like, N-terminal domain (IPR002553) of the encoded protein sequence. Algorithms developed to predict the effect of missense changes on protein structure and function are either unavailable or do not agree on the potential impact of this missense change. The variant allele was found at a frequency of 0.00022 in 251320 control chromosomes, predominantly at a frequency of 0.0004 within the Non-Finnish European subpopulation in the gnomAD database. This frequency is not significantly higher than estimated for disease-causing variants in AP3B1, allowing no conclusion about variant significance. c.1022G>A has been reported in one individual affected with NK/T-cell lymphoma of nasal type (example, Guan_2021). These report(s) do not provide unequivocal conclusions about association of the variant with Hermansky-Pudlak Syndrome. To our knowledge, no experimental evidence demonstrating an impact on protein function has been reported. The following publication has been ascertained in the context of this evaluation (PMID: 34170459). ClinVar contains an entry for this variant (Variation ID: 533468). Based on the evidence outlined above, the variant was classified as uncertain significance.

Blueprint Genetics
Classification: Uncertain significance. Last evaluated: 2024-08-28. Review status: criteria provided, single submitter. Criteria: ACMG Guidelines, 2015. Collection method: clinical testing. Allele origin: germline.

Labcorp Genetics (formerly Invitae), Labcorp
Classification: Uncertain significance for Hermansky-Pudlak syndrome 2. Last evaluated: 2022-08-21. Review status: criteria provided, single submitter. Criteria: Invitae Variant Classification Sherloc (09022015). Collection method: clinical testing. Allele origin: germline.
Comment: This sequence change replaces arginine, which is basic and polar, with histidine, which is basic and polar, at codon 341 of the AP3B1 protein (p.Arg341His). This variant is present in population databases (rs141832130, gnomAD 0.04%). This variant has not been reported in the literature in individuals affected with AP3B1-related conditions. ClinVar contains an entry for this variant (Variation ID: 533468). Algorithms developed to predict the effect of missense changes on protein structure and function are either unavailable or do not agree on the potential impact of this missense change (SIFT: "Deleterious"; PolyPhen-2: "Possibly Damaging"; Align-GVGD: "Class C0"). In summary, the available evidence is currently insufficient to determine the role of this variant in disease. Therefore, it has been classified as a Variant of Uncertain Significance.

Mayo Clinic Laboratories, Mayo Clinic
Classification: Uncertain significance. Last evaluated: 2021-09-27. Review status: criteria provided, single submitter. Criteria: ACMG Guidelines, 2015. Collection method: clinical testing. Allele origin: germline.

Center for Genomics, Ann and Robert H. Lurie Children's Hospital of Chicago
Classification: Uncertain significance for Hermansky-Pudlak syndrome 2. Last evaluated: 2021-03-30. Review status: criteria provided, single submitter. Criteria: ACMG Guidelines, 2015. Collection method: clinical testing. Allele origin: germline.
Comment: AP3B1 NM_003664.4 exon 9 p.Arg341His (c.1022G>A): This variant has not been reported in the literature but is present in 0.03% (49/129098) of European alleles in the Genome Aggregation Database. This variant is present in ClinVar (Variation ID:533468). Evolutionary conservation and computational predictive tools suggest that this variant may impact the protein. In summary, data on this variant is insufficient for disease classification. Therefore, the clinical significance of this variant is uncertain.

Clinical Genetics DNA and cytogenetics Diagnostics Lab, Erasmus MC, Erasmus Medical Center
Classification: Uncertain significance. Review status: no assertion criteria provided. Collection method: clinical testing. Allele origin: germline. Affected: yes. Study: VKGL Data-share Consensus. Not counted in ClinVar's aggregate classification.

Clinical Genetics, Academic Medical Center
Classification: Uncertain significance. Review status: no assertion criteria provided. Collection method: clinical testing. Allele origin: germline. Affected: yes. Study: VKGL Data-share Consensus. Not counted in ClinVar's aggregate classification.

ISTH-SSC Genomics in Thrombosis and Hemostasis, KU Leuven, Center for Molecular and Vascular Biology
Classification: Uncertain significance for Hermansky-Pudlak syndrome 2. Review status: no assertion criteria provided. Collection method: research. Allele origin: unknown. Affected: yes. Not counted in ClinVar's aggregate classification.
Comment: Submitted to GoldVariant by Dr Marie-Christine Morel-Kopp from Northern Blood Research Centre, Sydney, Australia

Literature cited by the submitters: PubMed 34170459 (cited by Women's Health and Genetics/Laboratory Corporation of America, LabCorp).